The following is an entry in ClinVar:

NM_018489.3(ASH1L):c.5269C>T (p.Arg1757Ter)

Gene: ASH1L (ASH1 like histone lysine methyltransferase; minus strand). Cytogenetic location: 1q22.
Variant type: single nucleotide variant.
Coding change: c.5269C>T on transcript NM_018489.3 (MANE Select); coding-DNA position 5269, C replaced by T.
Protein change: p.Arg1757Ter; replaces arginine 1757 with a stop codon.
Molecular consequence: nonsense.
Genome position (GRCh38, 1-based): chr1:155,438,886, G>A on the plus strand (C>T on the coding strand, the complement: ASH1L is on the minus strand). VCF-style: chr1-155438886-G-A. GRCh37 (hg19) VCF-style: chr1-155408677-G-A.
Other names: c.5269C>T, p.Arg1757Ter (NM_001366177.2); short protein forms R1757*.
Identifiers: ClinVar variation 1334572 (VCV001334572.7), dbSNP rs1662320308, ClinGen allele CA342692011.

ClinVar aggregate classification (germline): Likely pathogenic. Review status: criteria provided, multiple submitters, no conflicts (2 of 4 stars). 3 submissions from 3 submitters: Likely pathogenic (3). Last evaluated 2023-04-11.

Conditions:
Intellectual developmental disorder, autosomal dominant 52. Also called: Intellectual disability, autosomal dominant 52; Mental retardation, autosomal dominant 52. Identifiers: MedGen C4540478, MONDO:0030918, OMIM 617796.

Allele frequency attached by ClinVar (database versions not stated): gnomAD 0.00001.
gnomAD v4.1: 1 of 1,614,034 alleles (0.000062%); no homozygotes.

Submissions (3):

Genome-Nilou Lab
Classification: Likely pathogenic for Intellectual developmental disorder, autosomal dominant 52. Last evaluated: 2023-04-11. Review status: criteria provided, single submitter. Criteria: ACMG Guidelines, 2015. Collection method: clinical testing. Allele origin: germline. Affected: no.

Revvity Omics, Revvity
Classification: Likely pathogenic for Intellectual developmental disorder, autosomal dominant 52. Last evaluated: 2022-06-28. Review status: criteria provided, single submitter. Criteria: ACMG Guidelines, 2015. Collection method: clinical testing. Allele origin: germline.

Greenwood Genetic Center Diagnostic Laboratories, Greenwood Genetic Center
Classification: Likely pathogenic for Intellectual developmental disorder, autosomal dominant 52. Last evaluated: 2021-09-07. Review status: criteria provided, single submitter. Criteria: ACMG Guidelines, 2015. Collection method: clinical testing. Allele origin: germline. Affected: yes.
Comment: PVS1, PM2